The following is an entry in ClinVar:

ClinVar aggregate classification (germline): Pathogenic (1 of 4 stars; one submission).

Conditions:
Cardiovascular phenotype. Identifiers: MedGen CN230736.

Submission:

Ambry Genetics
Classification: Pathogenic for Cardiovascular phenotype. Last evaluated: 2019-02-12. Review status: criteria provided, single submitter. Criteria: Ambry Variant Classification Scheme 2023. Collection method: clinical testing. Allele origin: germline.
Comment: The c.379dupC pathogenic mutation, located in coding exon 3 of the MYBPC3 gene, results from a duplication of C at nucleotide position 379, causing a translational frameshift with a predicted alternate stop codon (p.L127Pfs*26). This alteration is expected to result in loss of function by premature protein truncation or nonsense-mediated mRNA decay. As such, this alteration is interpreted as a disease-causing mutation.

NM_000256.3(MYBPC3):c.379dup (p.Leu127fs)

Gene: MYBPC3 (myosin binding protein C3; minus strand). Cytogenetic location: 11p11.2.
Variant type: Duplication.
Coding change: c.379dup on transcript NM_000256.3 (MANE Select); coding-DNA position 379, one base duplicated (C; older notation c.379dupC).
Protein change: p.Leu127fs; shifts the reading frame from leucine 127.
Molecular consequence: frameshift variant.
Genome position (GRCh38, 1-based): chr11:47,350,529, G duplicated on the plus strand (C on the coding strand, the reverse complement: MYBPC3 is on the minus strand). VCF-style (leftmost placement, unchanged base first): chr11-47350528-A-AG. GRCh37 (hg19) VCF-style: chr11-47372079-A-AG.
Other names: c.379dupC (NM_000256.3); short protein forms L127fs.
Identifiers: ClinVar variation 1735019 (VCV001735019.2), dbSNP rs2495783500, ClinGen allele CA2580084260.